The following is an entry in ClinVar:

NM_022367.4(SEMA4A):c.20G>A (p.Gly7Asp)

Gene: SEMA4A (semaphorin 4A; plus strand). Cytogenetic location: 1q22.
Variant type: single nucleotide variant.
Coding change: c.20G>A on transcript NM_022367.4 (MANE Select); coding-DNA position 20, G replaced by A.
Protein change: p.Gly7Asp; replaces glycine 7 with aspartic acid.
Molecular consequence: missense variant. On other transcripts: 5 prime UTR variant (1), intron variant (3).
Genome position (GRCh38, 1-based): chr1:156,154,598, G>A. VCF-style: chr1-156154598-G-A. GRCh37 (hg19) VCF-style: chr1-156124389-G-A.
Other names: c.20G>A, p.Gly7Asp (NM_001193300.2, NM_001193301.2, NM_001370567.1); c.-505G>A (NM_001370571.1); c.-385-1816G>A (NM_001370569.1); c.-158-1816G>A (NM_001370568.1); c.-159+834G>A (NM_001193302.2); short protein forms G7D.
Identifiers: ClinVar variation 767708 (VCV000767708.15), dbSNP rs145133730, ClinGen allele CA1154880.
Genomic context (GRCh38, chr1:156,154,598, plus strand): 5'-CTGTTTCCCCAGAGCTCCCTGGTGACAGTCTGTGGCTGAGCATGGCCCTCCCAGCCCTGG[G>A]CCTGGACCCCTGGAGCCTCCTGGGCCTTTTCCTCTTCCAACTGCTTCAGCTGCTGCTGCC-3'
Protein context (NP_071762.2, residues 1-17): MALPAL[Gly7Asp]LDPWSLLGLF

ClinVar aggregate classification (germline): Conflicting classifications of pathogenicity. Review status: criteria provided, conflicting classifications (1 of 4 stars). 4 submissions from 3 submitters: Uncertain significance (1); Likely benign (3). Last evaluated 2025-09-29.

Conditions:
Retinitis pigmentosa (RP). Identifiers: Orphanet 791, MedGen C0035334, MeSH D012174, MONDO:0019200, OMIM 268000. Inheritance: Autosomal dominant, autosomal recessive and X linked inheritance.
Cone-rod dystrophy 10 (CORD10). Identifiers: Orphanet 1872, MedGen C1846529, MONDO:0012464, OMIM 610283.

Allele frequency attached by ClinVar (database versions not stated): gnomAD exomes 0.00027; ExAC 0.00039; gnomAD 0.00098 and 0.00106; TOPMed 0.00114; 1000 Genomes Project 30x 0.00141; ESP Exome Variant Server 0.00161; 1000 Genomes Project 0.00180.
gnomAD v4.1: 273 of 1,610,832 alleles (0.017%); highest among the groups gnomAD compares: African/African-American, 0.33%; 1 homozygote.

Submissions (4):

Labcorp Genetics (formerly Invitae), Labcorp
Classification: Likely benign. Last evaluated: 2025-09-29. Review status: criteria provided, single submitter. Criteria: Invitae Variant Classification Sherloc (09022015). Collection method: clinical testing. Allele origin: germline.

Blueprint Genetics
Classification: Likely benign. Last evaluated: 2024-02-19. Review status: criteria provided, single submitter. Criteria: ACMG Guidelines, 2015. Collection method: clinical testing. Allele origin: germline.

Illumina Laboratory Services, Illumina
Classification: Likely benign for Retinitis pigmentosa. Last evaluated: 2018-01-13. Review status: criteria provided, single submitter. Criteria: ICSL Variant Classification Criteria 13 December 2019. Collection method: clinical testing. Allele origin: germline.
Comment: This variant was observed in the ICSL laboratory as part of a predisposition screen in an ostensibly healthy population. It had not been previously curated by ICSL or reported in the Human Gene Mutation Database (HGMD: prior to June 1st, 2018), and was therefore a candidate for classification through an automated scoring system. Utilizing variant allele frequency, disease prevalence and penetrance estimates, and inheritance mode, an automated score was calculated to assess if this variant is too frequent to cause the disease. Based on the score and internal cut-off values, a variant classified as likely benign is not then subjected to further curation. The score for this variant resulted in a classification of likely benign for this disease.

Illumina Laboratory Services, Illumina
Classification: Uncertain significance for Cone-rod dystrophy 10. Last evaluated: 2018-01-13. Review status: criteria provided, single submitter. Criteria: ICSL Variant Classification Criteria 13 December 2019. Collection method: clinical testing. Allele origin: germline.